The following is an entry in ClinVar:

ClinVar aggregate classification (germline): Benign/Likely benign. Review status: criteria provided, multiple submitters, no conflicts (2 of 4 stars). 5 submissions from 5 submitters: Benign (1); Likely benign (3). 1 of the submissions does not count toward it. Last evaluated 2025-10-23.

Conditions:
Multiple endocrine neoplasia, type 1 (MEN1). Also called: MEN I; WERMER SYNDROME; Endocrine adenomatosis multiple; MEN 1; MEA I. Identifiers: Orphanet 652, MedGen C0025267, MeSH D018761, MONDO:0007540, OMIM 131100.
MEN1-related disorder. Also called: MEN1-related condition.
Hereditary cancer-predisposing syndrome. Also called: Neoplastic Syndromes, Hereditary; Tumor predisposition; Hereditary neoplastic syndrome; Hereditary Cancer Syndrome. Identifiers: Orphanet 140162, MedGen C0027672, MeSH D009386, MONDO:0015356.

Allele frequency attached by ClinVar (database versions not stated): gnomAD exomes below 0.00001 and 0.00001; ExAC 0.00001.
gnomAD v4.1: 9 of 1,614,154 alleles (0.00056%); highest among the groups gnomAD compares: Middle Eastern, 0.017%; no homozygotes.

Submissions (5):

Labcorp Genetics (formerly Invitae), Labcorp
Classification: Likely benign for Multiple endocrine neoplasia, type 1. Last evaluated: 2025-10-23. Review status: criteria provided, single submitter. Criteria: Invitae Variant Classification Sherloc (09022015). Collection method: clinical testing. Allele origin: germline.

Myriad Genetics, Inc.
Classification: Benign for Multiple endocrine neoplasia, type 1. Last evaluated: 2024-11-05. Review status: criteria provided, single submitter. Criteria: Myriad Autosomal Dominant, Autosomal Recessive and X-Linked Classification Criteria (2023). Collection method: clinical testing. Allele origin: unknown.
Comment: This variant is considered benign. This variant is a silent/synonymous amino acid change and it is not expected to impact splicing.

Color Diagnostics, LLC DBA Color Health
Classification: Likely benign for Multiple endocrine neoplasia, type 1. Last evaluated: 2022-11-06. Review status: criteria provided, single submitter. Criteria: ACMG Guidelines, 2015. Collection method: clinical testing. Allele origin: germline.

Ambry Genetics
Classification: Likely benign for Hereditary cancer-predisposing syndrome. Last evaluated: 2020-01-13. Review status: criteria provided, single submitter. Criteria: Ambry Variant Classification Scheme 2023. Collection method: clinical testing. Allele origin: germline.

PreventionGenetics, part of Exact Sciences
Classification: Likely benign for MEN1-related condition. Last evaluated: 2022-07-14. Review status: no assertion criteria provided. Collection method: clinical testing. Allele origin: germline. Not counted in ClinVar's aggregate classification.
Comment: This variant is classified as likely benign based on ACMG/AMP sequence variant interpretation guidelines (Richards et al. 2015 PMID: 25741868, with internal and published modifications).

NM_001370259.2(MEN1):c.1251C>T (p.Tyr417=)

Gene: MEN1 (menin 1; minus strand). Cytogenetic location: 11q13.1.
Variant type: single nucleotide variant.
Coding change: c.1251C>T on transcript NM_001370259.2 (MANE Select); coding-DNA position 1251, C replaced by T.
Protein change: p.Tyr417=; no amino-acid change (tyrosine 417 retained).
Molecular consequence: synonymous variant.
Genome position (GRCh38, 1-based): chr11:64,805,133, G>A on the plus strand (C>T on the coding strand, the complement: MEN1 is on the minus strand). VCF-style: chr11-64805133-G-A. GRCh37 (hg19) VCF-style: chr11-64572605-G-A.
Other names: c.1266C>T, p.Tyr422= (NM_000244.4, NM_130800.3, NM_130801.3 and 3 more transcripts); c.1377C>T, p.Tyr459= (NM_001370251.2); c.1251C>T, p.Tyr417= (NM_001370260.2, NM_001370261.2, NM_130799.3); c.1146C>T, p.Tyr382= (NM_001370262.2, NM_001370263.2); c.1266C>T (NM_000244.3).
Identifiers: ClinVar variation 527309 (VCV000527309.17), dbSNP rs751481164, ClinGen allele CA060323.
Genomic context (GRCh38, chr11:64,805,133, plus strand): 5'-GGCCCAGCCCACATGCAGCACAGGCGTGGGACTGCCCTCCTCCCATTTGCAGATGCCGTC[G>A]TAGAATCGCAGCAGGTGGGCGAAGCACTCAGGGTCCTGGAGGGCGGAACCTTGGCTCTGG-3'
Protein context (NP_001357188.2, residues 407-427): PECFAHLLRF[Tyr417=]DGICKWEEGS